The following is an entry in ClinVar:

ClinVar aggregate classification (germline): Pathogenic (1 of 4 stars; one submission).

Submission:

Labcorp Genetics (formerly Invitae), Labcorp
Classification: Pathogenic. Last evaluated: 2024-09-09. Review status: criteria provided, single submitter. Criteria: Invitae Variant Classification Sherloc (09022015). Collection method: clinical testing. Allele origin: germline.
Comment: This sequence change creates a premature translational stop signal (p.Trp112Glyfs*83) in the GATA3 gene. It is expected to result in an absent or disrupted protein product. Loss-of-function variants in GATA3 are known to be pathogenic (PMID: 14985365, 21242646). This variant is not present in population databases (gnomAD no frequency). This variant has not been reported in the literature in individuals affected with GATA3-related conditions. For these reasons, this variant has been classified as Pathogenic.

Literature cited by the submitters: PubMed 14985365; PubMed 21242646.

NM_001002295.2(GATA3):c.333del (p.Trp112fs)

Gene: GATA3 (GATA binding protein 3; plus strand). Cytogenetic location: 10p14.
Variant type: Deletion.
Coding change: c.333del on transcript NM_001002295.2 (MANE Select); coding-DNA position 333, one base deleted (C; older notation c.333delC).
Protein change: p.Trp112fs; shifts the reading frame from tryptophan 112.
Molecular consequence: frameshift variant.
Genome position (GRCh38, 1-based): chr10:8,058,396, C deleted; the last of 5 consecutive C bases (chr10:8,058,392-8,058,396); deleting any one gives the same sequence. VCF-style (leftmost placement, unchanged base first): chr10-8058391-TC-T. GRCh37 (hg19) VCF-style: chr10-8100354-TC-T.
Other names: c.333del, p.Trp112fs (NM_002051.3); short protein forms W112fs.
Identifiers: ClinVar variation 2862960 (VCV002862960.3), dbSNP rs2491460705, ClinGen allele CA645553549.